The following is an entry in ClinVar:

ClinVar aggregate classification (germline): Uncertain significance (1 of 4 stars; one submission).

Conditions:
Anemia, nonspherocytic hemolytic, due to G6PD deficiency (CNSHA1). Also called: Hemolytic anemia due to G6PD deficiency; ANEMIA, CONGENITAL, NONSPHEROCYTIC HEMOLYTIC, 1; Class I glucose-6-phosphate dehydrogenase deficiency; Favism, susceptibility to. Identifiers: Orphanet 466026, MedGen C2720289, MONDO:0010480, OMIM 300908.

Submission:

Labcorp Genetics (formerly Invitae), Labcorp
Classification: Uncertain significance for Anemia, nonspherocytic hemolytic, due to G6PD deficiency. Last evaluated: 2022-04-12. Review status: criteria provided, single submitter. Criteria: Invitae Variant Classification Sherloc (09022015). Collection method: clinical testing. Allele origin: germline.
Comment: This sequence change replaces glutamine, which is neutral and polar, with proline, which is neutral and non-polar, at codon 471 of the G6PD protein (p.Gln471Pro). This variant is not present in population databases (gnomAD no frequency). This variant has not been reported in the literature in individuals affected with G6PD-related conditions. Algorithms developed to predict the effect of missense changes on protein structure and function (SIFT, PolyPhen-2, Align-GVGD) all suggest that this variant is likely to be tolerated. In summary, the available evidence is currently insufficient to determine the role of this variant in disease. Therefore, it has been classified as a Variant of Uncertain Significance.

NM_001360016.2(G6PD):c.1412A>C (p.Gln471Pro)

Gene: G6PD (glucose-6-phosphate dehydrogenase; minus strand). Cytogenetic location: Xq28.
Variant type: single nucleotide variant.
Coding change: c.1412A>C on transcript NM_001360016.2 (MANE Select); coding-DNA position 1412, A replaced by C.
Protein change: p.Gln471Pro; replaces glutamine 471 with proline.
Molecular consequence: missense variant.
Genome position (GRCh38, 1-based): chrX:154,532,233, T>G on the plus strand (A>C on the coding strand, the complement: G6PD is on the minus strand). VCF-style: chrX-154532233-T-G. GRCh37 (hg19) VCF-style: chrX-153760448-T-G.
Other names: c.1502A>C, p.Gln501Pro (NM_000402.4); c.1412A>C, p.Gln471Pro (NM_001042351.3); short protein forms Q471P, Q501P.
Identifiers: ClinVar variation 2125326 (VCV002125326.4), dbSNP rs2070346041, ClinGen allele CA415232492.